The following is an entry in ClinVar:

ClinVar aggregate classification (germline): Uncertain significance (1 of 4 stars; one submission).

Submission:

GeneDx
Classification: Uncertain significance. Last evaluated: 2023-06-23. Review status: criteria provided, single submitter. Criteria: GeneDx Variant Classification Process June 2021. Collection method: clinical testing. Allele origin: germline. Affected: yes.
Comment: Not observed at significant frequency in large population cohorts (gnomAD); In silico analysis supports that this missense variant does not alter protein structure/function; Has not been previously published as pathogenic or benign to our knowledge

NM_001371727.1(GABRB2):c.1375C>T (p.His459Tyr)

Gene: GABRB2 (gamma-aminobutyric acid type A receptor subunit beta2; minus strand). Cytogenetic location: 5q34.
Variant type: single nucleotide variant.
Coding change: c.1375C>T on transcript NM_001371727.1 (MANE Select); coding-DNA position 1375, C replaced by T.
Protein change: p.His459Tyr; replaces histidine 459 with tyrosine.
Molecular consequence: missense variant.
Genome position (GRCh38, 1-based): chr5:161,294,245, G>A on the plus strand (C>T on the coding strand, the complement: GABRB2 is on the minus strand). VCF-style: chr5-161294245-G-A. GRCh37 (hg19) VCF-style: chr5-160721252-G-A.
Other names: c.1261C>T, p.His421Tyr (NM_000813.3); c.1375C>T, p.His459Tyr (NM_021911.3); short protein forms H421Y, H459Y.
Identifiers: ClinVar variation 3360376 (VCV003360376.1).